The following is an entry in ClinVar:

NM_001848.3(COL6A1):c.1122C>T (p.Gly374=)

Gene: COL6A1 (collagen type VI alpha 1 chain; plus strand). Cytogenetic location: 21q22.3.
Variant type: single nucleotide variant.
Coding change: c.1122C>T on transcript NM_001848.3 (MANE Select); coding-DNA position 1122, C replaced by T.
Protein change: p.Gly374=; no amino-acid change (glycine 374 retained).
Molecular consequence: synonymous variant.
Genome position (GRCh38, 1-based): chr21:45,992,012, C>T. VCF-style: chr21-45992012-C-T. GRCh37 (hg19) VCF-style: chr21-47411926-C-T.
Identifiers: ClinVar variation 282484 (VCV000282484.16), dbSNP rs373535692, ClinGen allele CA10070113.

ClinVar aggregate classification (germline): Conflicting classifications of pathogenicity. Review status: criteria provided, conflicting classifications (1 of 4 stars). 4 submissions from 4 submitters: Uncertain significance (2); Likely benign (1). 1 of the submissions does not count toward it. Last evaluated 2025-09-22.

Conditions:
COL6A1-related disorder. Also called: COL6A1-related condition.
Bethlem myopathy 1A. Also called: Bethlem myopathy 1; Bethlem Muscular Dystrophy; MYOPATHY, BENIGN CONGENITAL, WITH CONTRACTURES. Identifiers: Orphanet 610, MedGen CN029274, MONDO:0024530, OMIM 158810.

Allele frequency attached by ClinVar (database versions not stated): ExAC 0.00003; gnomAD exomes 0.00004 and 0.00010; 1000 Genomes Project 30x 0.00016; gnomAD 0.00021 and 0.00024; ESP Exome Variant Server 0.00023; TOPMed 0.00025.

Submissions (5):

Labcorp Genetics (formerly Invitae), Labcorp
Classification: Likely benign for Bethlem myopathy 1A. Last evaluated: 2025-09-22. Review status: criteria provided, single submitter. Criteria: Invitae Variant Classification Sherloc (09022015). Collection method: clinical testing. Allele origin: germline.

GeneDx
Classification: Uncertain significance. Last evaluated: 2019-06-07. Review status: criteria provided, single submitter. Criteria: GeneDx Variant Classification Process June 2021. Collection method: clinical testing. Allele origin: germline. Affected: yes.
Comment: Has not been previously published as pathogenic or benign to our knowledge; In silico analysis, which includes splice predictors and evolutionary conservation, suggests this variant may impact gene splicing. In the absence of RNA/functional studies, the actual effect of this sequence change is unknown.

Eurofins Ntd Llc (ga)
Classification: Uncertain significance. Last evaluated: 2016-11-29. Review status: criteria provided, single submitter. Criteria: EGL Classification Definitions 2015. Collection method: clinical testing. Allele origin: germline. Observed: 3 variant alleles, 3 heterozygotes.

PreventionGenetics, part of Exact Sciences
Classification: Likely benign for COL6A1-related condition. Last evaluated: 2023-11-22. Review status: no assertion criteria provided. Collection method: clinical testing. Allele origin: germline. Not counted in ClinVar's aggregate classification.
Comment: This variant is classified as likely benign based on ACMG/AMP sequence variant interpretation guidelines (Richards et al. 2015 PMID: 25741868, with internal and published modifications).

Dr. Peter K. Rogan Lab, Western University
No classification provided (evidence only). Condition: Cervical cancer. Review status: no classification provided. Collection method: in vitro. Allele origin: not applicable. Functional consequence: retained intron. Not counted in ClinVar's aggregate classification.